The following is an entry in ClinVar:

ClinVar aggregate classification (germline): Uncertain significance. Review status: criteria provided, multiple submitters, no conflicts (2 of 4 stars). 2 submissions from 2 submitters: Uncertain significance (2). Last evaluated 2023-09-07.

Conditions:
Gorlin syndrome. Also called: Nevoid Basal Cell Carcinoma Syndrome; Basal cell nevus syndrome. Identifiers: Orphanet 377, MedGen C0004779, MONDO:0007187.
Medulloblastoma (MDB). Also called: MEDULLOBLASTOMA PREDISPOSITION SYNDROME; Medulloblastoma, somatic. Identifiers: Orphanet 616, MedGen C0025149, MeSH D008527, MONDO:0007959, OMIM 155255, HP:0002885.
Hereditary cancer-predisposing syndrome. Also called: Hereditary neoplastic syndrome; Neoplastic Syndromes, Hereditary; Tumor predisposition; Hereditary Cancer Syndrome. Identifiers: Orphanet 140162, MedGen C0027672, MeSH D009386, MONDO:0015356.

Submissions (2):

Ambry Genetics
Classification: Uncertain significance for Hereditary cancer-predisposing syndrome. Last evaluated: 2023-09-07. Review status: criteria provided, single submitter. Criteria: Ambry Variant Classification Scheme 2023. Collection method: clinical testing. Allele origin: germline.
Comment: The p.S157G variant (also known as c.469A>G), located in coding exon 4 of the SUFU gene, results from an A to G substitution at nucleotide position 469. The serine at codon 157 is replaced by glycine, an amino acid with similar properties. This amino acid position is conserved. In addition, the in silico prediction for this alteration is inconclusive. Since supporting evidence is limited at this time, the clinical significance of this alteration remains unclear.

Labcorp Genetics (formerly Invitae), Labcorp
Classification: Uncertain significance for Gorlin syndrome; Medulloblastoma. Last evaluated: 2021-07-06. Review status: criteria provided, single submitter. Criteria: Invitae Variant Classification Sherloc (09022015). Collection method: clinical testing. Allele origin: germline.
Comment: This sequence change replaces serine with glycine at codon 157 of the SUFU protein (p.Ser157Gly). The serine residue is highly conserved and there is a small physicochemical difference between serine and glycine. This variant is not present in population databases (ExAC no frequency). This variant has not been reported in the literature in individuals with SUFU-related conditions. Algorithms developed to predict the effect of missense changes on protein structure and function are either unavailable or do not agree on the potential impact of this missense change (SIFT: "Tolerated"; PolyPhen-2: "Possibly Damaging"; Align-GVGD: "Class C0"). In summary, the available evidence is currently insufficient to determine the role of this variant in disease. Therefore, it has been classified as a Variant of Uncertain Significance.

NM_016169.4(SUFU):c.469A>G (p.Ser157Gly)

Gene: SUFU (SUFU negative regulator of hedgehog signaling; plus strand). Cytogenetic location: 10q24.32.
Variant type: single nucleotide variant.
Coding change: c.469A>G on transcript NM_016169.4 (MANE Select); coding-DNA position 469, A replaced by G.
Protein change: p.Ser157Gly; replaces serine 157 with glycine.
Molecular consequence: missense variant.
Genome position (GRCh38, 1-based): chr10:102,592,596, A>G. VCF-style: chr10-102592596-A-G. GRCh37 (hg19) VCF-style: chr10-104352353-A-G.
Other names: c.469A>G (NM_016169.3); c.469A>G, p.Ser157Gly (NM_001178133.2); short protein forms S157G.
Identifiers: ClinVar variation 1000127 (VCV001000127.11), dbSNP rs2063415039, ClinGen allele CA377908083.